The following is an entry in ClinVar:

NC_000022.11:g.40345592G>A

Gene: ADSL (adenylosuccinate lyase; plus strand). Cytogenetic location: 22q13.1.
Variant type: single nucleotide variant.
Genome position: GRCh38 VCF-style: chr22-40345592-G-A. GRCh37 (hg19) VCF-style: chr22-40741596-G-A.
Identifiers: ClinVar variation 1515778 (VCV001515778.6), dbSNP rs950048889, ClinGen allele CA324446264.
Genomic context (GRCh38, chr22:40,345,592, plus strand): 5'-CCCCACTGGCACTCCAGACTGAACAACATAGCAAGACCCTGTCAAAAAAAAAAAAAAGGG[G>A]GGGGGCCACTTGAGTGTTTCTATTTCTATTTATTTATTTAATTCTTTTATTTTTTGGAGA-3'

ClinVar aggregate classification (germline): Uncertain significance (1 of 4 stars; one submission).

Conditions:
Adenylosuccinate lyase deficiency (ADSLD). Also called: ADSL DEFICIENCY. Identifiers: Orphanet 46, MedGen C0268126, MONDO:0007068, OMIM 103050.

Submission:

Labcorp Genetics (formerly Invitae), Labcorp
Classification: Uncertain significance for Adenylosuccinate lyase deficiency. Last evaluated: 2025-09-02. Review status: criteria provided, single submitter. Criteria: Invitae Variant Classification Sherloc (09022015). Collection method: clinical testing. Allele origin: germline.
Comment: This variant occurs in a non-coding region of the ADSL gene. It does not change the encoded amino acid sequence of the ADSL protein. This variant is not present in population databases (gnomAD no frequency). This variant has not been reported in the literature in individuals affected with ADSL-related conditions. Experimental studies and prediction algorithms are not available or were not evaluated, and the functional significance of this variant is currently unknown. In summary, the available evidence is currently insufficient to determine the role of this variant in disease. Therefore, it has been classified as a Variant of Uncertain Significance.